The following is an entry in ClinVar:

NM_198578.4(LRRK2):c.5280G>C (p.Glu1760Asp)

Gene: LRRK2 (leucine rich repeat kinase 2; plus strand). Cytogenetic location: 12q12.
Variant type: single nucleotide variant.
Coding change: c.5280G>C on transcript NM_198578.4 (MANE Select); coding-DNA position 5280, G replaced by C.
Protein change: p.Glu1760Asp; replaces glutamic acid 1760 with aspartic acid.
Molecular consequence: missense variant.
Genome position (GRCh38, 1-based): chr12:40,322,144, G>C. VCF-style: chr12-40322144-G-C. GRCh37 (hg19) VCF-style: chr12-40715946-G-C.
Other names: short protein forms E1760D.
Identifiers: ClinVar variation 3540543 (VCV003540543.1).

ClinVar aggregate classification (germline): Uncertain significance (1 of 4 stars; one submission).

Conditions:
Inborn genetic diseases. Identifiers: MedGen C0950123, MeSH D030342.

gnomAD v4.1: 1 of 1,612,492 alleles (0.000062%); highest among the groups gnomAD compares: African/African-American, 0.0013%; no homozygotes.

Submission:

Ambry Genetics
Classification: Uncertain significance for Inborn genetic diseases. Last evaluated: 2024-09-21. Review status: criteria provided, single submitter. Criteria: Ambry Variant Classification Scheme 2023. Collection method: clinical testing. Allele origin: germline.
Comment: The p.E1760D variant (also known as c.5280G>C), located in coding exon 36 of the LRRK2 gene, results from a G to C substitution at nucleotide position 5280. The glutamic acid at codon 1760 is replaced by aspartic acid, an amino acid with highly similar properties. This amino acid position is conserved. In addition, this alteration is predicted to be tolerated by in silico analysis. Based on the available evidence, the clinical significance of this variant remains unclear.